The following is an entry in ClinVar:

NM_001009944.3(PKD1):c.6908C>A (p.Ser2303Ter)

Gene: PKD1 (polycystin 1, transient receptor potential channel interacting; minus strand). Cytogenetic location: 16p13.3.
Variant type: single nucleotide variant.
Coding change: c.6908C>A on transcript NM_001009944.3 (MANE Select); coding-DNA position 6908, C replaced by A.
Protein change: p.Ser2303Ter; replaces serine 2303 with a stop codon.
Molecular consequence: nonsense.
Genome position (GRCh38, 1-based): chr16:2,108,259, G>T on the plus strand (C>A on the coding strand, the complement: PKD1 is on the minus strand). VCF-style: chr16-2108259-G-T. GRCh37 (hg19) VCF-style: chr16-2158260-G-T.
Other names: c.6908C>A, p.Ser2303Ter (NM_000296.4); short protein forms S2303*.
Identifiers: ClinVar variation 4688768 (VCV004688768.1).
Genomic context (GRCh38, chr16:2,108,259, plus strand): 5'-TCATGGGTGTGGACGGGTGAGGGGCATGGAGGACGGCCCTGCCACGCACTGACCTGTGTC[G>T]AAGCCACACAGGCCCAGTGGAAACTGAGCGGCGTCTGGTCGCCGTCCTCCAGGTTGGGGT-3'

ClinVar aggregate classification (germline): Pathogenic (1 of 4 stars; one submission).

Conditions:
Polycystic kidney disease, adult type (PKD1). Also called: Polycystic Kidney, Autosomal Dominant; Polycystic Kidney Disease 1, Autosomal Dominant; Polycystic kidney disease 1; Polycystic kidney disease 1, severe; POLYCYSTIC KIDNEY DISEASE, ADULT, TYPE I; POLYCYSTIC KIDNEY DISEASE 1 WITH OR WITHOUT POLYCYSTIC LIVER DISEASE. Identifiers: MedGen C3149841, MONDO:0008263, OMIM 173900.

Submission:

Women's Health and Genetics/Laboratory Corporation of America, LabCorp
Classification: Pathogenic for Polycystic kidney disease, adult type. Last evaluated: 2025-12-28. Review status: criteria provided, single submitter. Criteria: LabCorp Variant Classification Summary - May 2015. Collection method: clinical testing. Allele origin: germline.
Comment: Variant summary: PKD1 c.6908C>A (p.Ser2303X) results in a premature termination codon, predicted to cause a truncation of the encoded protein or absence of the protein due to nonsense mediated decay, which are commonly known mechanisms for disease. The variant was absent in 241052 control chromosomes. To our knowledge, no occurrence of c.6908C>A in individuals affected with PKD1-related conditions and no experimental evidence demonstrating its impact on protein function have been reported. No submitters have cited clinical-significance assessments for this variant to ClinVar. Based on the evidence outlined above, the variant was classified as pathogenic.